The following is an entry in ClinVar:

ClinVar aggregate classification (germline): Conflicting classifications of pathogenicity. Review status: criteria provided, conflicting classifications (1 of 4 stars). 7 submissions from 7 submitters: Uncertain significance (1); Benign (2); Likely benign (4). Last evaluated 2025-12-15.

Conditions:
CACNB2-related disorder. Also called: CACNB2-related condition.
Cardiovascular phenotype. Identifiers: MedGen CN230736.
Brugada syndrome 4 (BRGDA4). Identifiers: Orphanet 130, MedGen C2678477, MONDO:0012743, OMIM 611876.

Allele frequency attached by ClinVar (database versions not stated): gnomAD 0.00014 and 0.00027; TOPMed 0.00016; gnomAD exomes 0.00038 and 0.00078; ExAC 0.00082; 1000 Genomes Project 30x 0.00094; 1000 Genomes Project 0.00100.
gnomAD v4.1: 594 of 1,614,016 alleles (0.037%); highest among the groups gnomAD compares: South Asian, 0.48%; 7 homozygotes.

Submissions (7):

Labcorp Genetics (formerly Invitae), Labcorp
Classification: Benign for Brugada syndrome 4. Last evaluated: 2025-12-15. Review status: criteria provided, single submitter. Criteria: Invitae Variant Classification Sherloc (09022015). Collection method: clinical testing. Allele origin: germline.

PreventionGenetics, part of Exact Sciences
Classification: Likely benign for CACNB2-related condition. Last evaluated: 2025-06-26. Review status: criteria provided, single submitter. Criteria: ACMG Guidelines, 2015. Collection method: clinical testing. Allele origin: germline.
Comment: This variant is classified as likely benign based on ACMG/AMP sequence variant interpretation guidelines (Richards et al. 2015 PMID: 25741868, with internal and published modifications).

Blueprint Genetics
Classification: Likely benign. Last evaluated: 2024-10-29. Review status: criteria provided, single submitter. Criteria: ACMG Guidelines, 2015. Collection method: clinical testing. Allele origin: germline.

Ambry Genetics
Classification: Likely benign for Cardiovascular phenotype. Last evaluated: 2018-07-05. Review status: criteria provided, single submitter. Criteria: Ambry Variant Classification Scheme 2023. Collection method: clinical testing. Allele origin: germline.

GeneDx
Classification: Benign. Last evaluated: 2018-03-09. Review status: criteria provided, single submitter. Criteria: GeneDx Variant Classification (06012015). Collection method: clinical testing. Allele origin: germline. Affected: yes.
Comment: This variant is considered likely benign or benign based on one or more of the following criteria: it is a conservative change, it occurs at a poorly conserved position in the protein, it is predicted to be benign by multiple in silico algorithms, and/or has population frequency not consistent with disease.

Women's Health and Genetics/Laboratory Corporation of America, LabCorp
Classification: Likely benign. Last evaluated: 2017-05-22. Review status: criteria provided, single submitter. Criteria: LabCorp Variant Classification Summary - May 2015. Collection method: clinical testing. Allele origin: germline.
Comment: Variant summary: The CACNB2 c.1534G>A (p.Ala512Thr) variant involves the alteration of a conserved nucleotide. 3/4 in silico tools predict a damaging outcome for this variant (SNPsandGO not captured due to low reliability index). This variant was found in the large control database ExAC in 99 of 121336 control chromosomes (1 homozygote) of all ethnicities, but was predominantly observed in the South Asian subpopulation at a frequency of 0.005088 (84/16510; 1 homozygote). This frequency is about 509 times the estimated maximal expected allele frequency of a pathogenic CACNB2 variant (0.00001), providing strong evidence this is likely a benign polymorphism found primarily in the populations of South Asian origin. Two clinical diagnostic laboratories/reputable databases have classified this variant as one of uncertain significance, though one was submitted prior to the release of the ExAC database. Taken together, this variant is classified as likely benign.

Biesecker Lab/Clinical Genomics Section, National Institutes of Health
Classification: Uncertain significance. Last evaluated: 2013-06-24. Review status: criteria provided, single submitter. Criteria: Ng et al. (Circ Cardiovasc Genet. 2013). Collection method: research. Allele origin: unknown. Observed: 1 variant allele. Study: ClinSeq.
Comment: The study set was not selected for affection status in relation to any cancer. Pathogenicity categories were based on literature curation. See Pubmed ID:23861362 for details.

Medical sequencing

Literature cited by the submitters: PubMed 23861362 (cited by Women's Health and Genetics/Laboratory Corporation of America, LabCorp).

NM_201596.3(CACNB2):c.1696G>A (p.Ala566Thr)

Gene: CACNB2 (calcium voltage-gated channel auxiliary subunit beta 2; plus strand). Cytogenetic location: 10p12.31.
Variant type: single nucleotide variant.
Coding change: c.1696G>A on transcript NM_201596.3 (MANE Select); coding-DNA position 1696, G replaced by A.
Protein change: p.Ala566Thr; replaces alanine 566 with threonine.
Molecular consequence: missense variant.
Genome position (GRCh38, 1-based): chr10:18,539,437, G>A. VCF-style: chr10-18539437-G-A. GRCh37 (hg19) VCF-style: chr10-18828366-G-A.
Other names: p.A511T:GCC>ACC; c.1531G>A, p.Ala511Thr (NM_000724.4); c.1498G>A, p.Ala500Thr (NM_001167945.2); c.1417G>A, p.Ala473Thr (NM_001330060.2); c.1552G>A, p.Ala518Thr (NM_201570.3); c.1612G>A, p.Ala538Thr (NM_201571.4); c.1540G>A, p.Ala514Thr (NM_201572.4); c.1534G>A, p.Ala512Thr (NM_201590.3); and 2 more; short protein forms A511T, A512T, A566T, A500T, A538T, A518T, A528T, A542T.
Identifiers: ClinVar variation 190731 (VCV000190731.17), dbSNP rs202218948, ClinGen allele CA235681.